The following is an entry in ClinVar:

ClinVar aggregate classification (germline): Pathogenic (1 of 4 stars; one submission).

Allele frequency attached by ClinVar (database versions not stated): gnomAD 0.00001.

Submission:

Labcorp Genetics (formerly Invitae), Labcorp
Classification: Pathogenic. Last evaluated: 2023-06-14. Review status: criteria provided, single submitter. Criteria: Invitae Variant Classification Sherloc (09022015). Collection method: clinical testing. Allele origin: germline.
Comment: For these reasons, this variant has been classified as Pathogenic. This variant has not been reported in the literature in individuals affected with LAMB3-related conditions. This variant is not present in population databases (gnomAD no frequency). This sequence change creates a premature translational stop signal (p.Gln124*) in the LAMB3 gene. It is expected to result in an absent or disrupted protein product. Loss-of-function variants in LAMB3 are known to be pathogenic (PMID: 11023379, 16473856).

Literature cited by the submitters: PubMed 11023379; PubMed 16473856.

NM_000228.3(LAMB3):c.370C>T (p.Gln124Ter)

Gene: LAMB3 (laminin subunit beta 3; minus strand). Cytogenetic location: 1q32.2.
Variant type: single nucleotide variant.
Coding change: c.370C>T on transcript NM_000228.3 (MANE Select); coding-DNA position 370, C replaced by T.
Protein change: p.Gln124Ter; replaces glutamine 124 with a stop codon.
Molecular consequence: nonsense.
Genome position (GRCh38, 1-based): chr1:209,637,910, G>A on the plus strand (C>T on the coding strand, the complement: LAMB3 is on the minus strand). VCF-style: chr1-209637910-G-A. GRCh37 (hg19) VCF-style: chr1-209811255-G-A.
Other names: c.370C>T, p.Gln124Ter (NM_001017402.2, NM_001127641.1); short protein forms Q124*.
Identifiers: ClinVar variation 2757086 (VCV002757086.3), dbSNP rs1666944608, ClinGen allele CA344597132.
Genomic context (GRCh38, chr1:209,637,910, plus strand): 5'-CACGCCCACATGGCCCAGGAGCCCCTCTCCTATCCACTGCCACCCCCAGGAGGCACACCT[G>A]GAACTCCATCATGACTTCTTGAAGCTGGAATCTCCTGTCCAGGTCCAGCTGCAGAGAGAC-3'